The following is an entry in ClinVar:

ClinVar aggregate classification (germline): Uncertain significance. Review status: criteria provided, multiple submitters, no conflicts (2 of 4 stars). 3 submissions from 3 submitters: Uncertain significance (3). Last evaluated 2025-12-11.

Allele frequency attached by ClinVar (database versions not stated): ExAC 0.00006; gnomAD exomes 0.00007; TOPMed 0.00012; gnomAD 0.00013 and 0.00015; 1000 Genomes Project 30x 0.00016; ESP Exome Variant Server 0.00017; 1000 Genomes Project 0.00020.
gnomAD v4.1: 203 of 1,612,734 alleles (0.013%); highest among the groups gnomAD compares: Non-Finnish European, 0.015%; no homozygotes.

Submissions (3):

GeneDx
Classification: Uncertain significance. Last evaluated: 2025-12-11. Review status: criteria provided, single submitter. Criteria: GeneDx Variant Classification Process June 2021. Collection method: clinical testing. Allele origin: germline.
Comment: In silico analysis supports that this missense variant has a deleterious effect on protein structure/function; Has not been previously published as pathogenic or benign to our knowledge

Labcorp Genetics (formerly Invitae), Labcorp
Classification: Uncertain significance. Last evaluated: 2025-03-17. Review status: criteria provided, single submitter. Criteria: Invitae Variant Classification Sherloc (09022015). Collection method: clinical testing. Allele origin: germline.
Comment: This sequence change replaces serine, which is neutral and polar, with glycine, which is neutral and non-polar, at codon 1144 of the MPDZ protein (p.Ser1144Gly). This variant is present in population databases (rs201227200, gnomAD 0.02%). This variant has not been reported in the literature in individuals affected with MPDZ-related conditions. ClinVar contains an entry for this variant (Variation ID: 1412278). An algorithm developed to predict the effect of missense changes on protein structure and function (PolyPhen-2) suggests that this variant is likely to be tolerated. In summary, the available evidence is currently insufficient to determine the role of this variant in disease. Therefore, it has been classified as a Variant of Uncertain Significance.

Blueprint Genetics
Classification: Uncertain significance. Last evaluated: 2023-12-22. Review status: criteria provided, single submitter. Criteria: ACMG Guidelines, 2015. Collection method: clinical testing. Allele origin: germline.

NM_001378778.1(MPDZ):c.3430A>G (p.Ser1144Gly)

Gene: MPDZ (multiple PDZ domain crumbs cell polarity complex component; minus strand). Cytogenetic location: 9p23.
Variant type: single nucleotide variant.
Coding change: c.3430A>G on transcript NM_001378778.1 (MANE Select); coding-DNA position 3430, A replaced by G.
Protein change: p.Ser1144Gly; replaces serine 1144 with glycine.
Molecular consequence: missense variant. On other transcripts: intron variant (1).
Genome position (GRCh38, 1-based): chr9:13,158,040, T>C on the plus strand (A>G on the coding strand, the complement: MPDZ is on the minus strand). VCF-style: chr9-13158040-T-C. GRCh37 (hg19) VCF-style: chr9-13158039-T-C.
Other names: c.3430A>G, p.Ser1144Gly (NM_001261406.2, NM_001261407.2, NM_001330637.2 and 13 more transcripts); c.3255-7352A>G (NM_001375427.1); c.3430A>G (NM_003829.4); short protein forms S1144G.
Identifiers: ClinVar variation 1412278 (VCV001412278.7), dbSNP rs201227200, ClinGen allele CA4987120.
Genomic context (GRCh38, chr9:13,158,040, plus strand): 5'-TATCCATTGGGTGGACAGAAGACAGAAATAGTCCTTACCGCCTGGGCTGATTCCAATTGC[T>C]ATATGCTGTGTTTTGAAGTTCGCTTTCTTCACCCTCTCCCTCTTCTCGCTCTGGTAATTC-3'
Protein context (NP_001365707.1, residues 1134-1154): EESELQNTAY[Ser1144Gly]NWNQPRRVEL